The following is an entry in ClinVar:

ClinVar aggregate classification (germline): Uncertain significance (1 of 4 stars; one submission).

Conditions:
Hereditary cancer-predisposing syndrome. Also called: Neoplastic Syndromes, Hereditary; Tumor predisposition; Hereditary Cancer Syndrome; Hereditary neoplastic syndrome. Identifiers: Orphanet 140162, MedGen C0027672, MeSH D009386, MONDO:0015356.

Submission:

Ambry Genetics
Classification: Uncertain significance for Hereditary cancer-predisposing syndrome. Last evaluated: 2021-12-05. Review status: criteria provided, single submitter. Criteria: Ambry Variant Classification Scheme 2023. Collection method: clinical testing. Allele origin: germline.
Comment: The p.L421R variant (also known as c.1262T>G), located in coding exon 11 of the CHEK2 gene, results from a T to G substitution at nucleotide position 1262. The leucine at codon 421 is replaced by arginine, an amino acid with dissimilar properties. This amino acid position is conserved. In addition, this alteration is predicted to be deleterious by in silico analysis. Since supporting evidence is limited at this time, the clinical significance of this alteration remains unclear.

NM_007194.4(CHEK2):c.1262T>G (p.Leu421Arg)

Gene: CHEK2 (checkpoint kinase 2; minus strand). Cytogenetic location: 22q12.1.
Variant type: single nucleotide variant.
Coding change: c.1262T>G on transcript NM_007194.4 (MANE Select); coding-DNA position 1262, T replaced by G.
Protein change: p.Leu421Arg; replaces leucine 421 with arginine.
Molecular consequence: missense variant.
Genome position (GRCh38, 1-based): chr22:28,695,240, A>C on the plus strand (T>G on the coding strand, the complement: CHEK2 is on the minus strand). VCF-style: chr22-28695240-A-C. GRCh37 (hg19) VCF-style: chr22-29091228-A-C.
Other names: c.1391T>G, p.Leu464Arg (NM_001005735.3); c.599T>G, p.Leu200Arg (NM_001257387.3); c.1061T>G, p.Leu354Arg (NM_001349956.3); c.1175T>G, p.Leu392Arg (NM_145862.3); short protein forms L200R, L392R, L354R, L421R, L464R.
Identifiers: ClinVar variation 1763487 (VCV001763487.2), dbSNP rs1060502714, ClinGen allele CA411096357.